The following is an entry in ClinVar:

NM_133379.5(TTN):c.15768T>A (p.His5256Gln)

Gene: TTN (titin; minus strand). Cytogenetic location: 2q31.2.
Variant type: single nucleotide variant.
Coding change: c.15768T>A on transcript NM_133379.5; coding-DNA position 15768, T replaced by A.
Protein change: p.His5256Gln; replaces histidine 5256 with glutamine.
Molecular consequence: missense variant. On other transcripts: intron variant (6).
Genome position (GRCh38, 1-based): chr2:178,746,632, A>T on the plus strand (T>A on the coding strand, the complement: TTN is on the minus strand). VCF-style: chr2-178746632-A-T. GRCh37 (hg19) VCF-style: chr2-179611359-A-T.
Other names: c.10223-4711T>A (NM_003319.4); c.10799-4711T>A (NM_133437.4); c.10598-4711T>A (NM_133432.3); c.10360+6492T>A (NM_133378.4); c.10361-4711T>A (NM_001256850.1); c.11312-4711T>A (NM_001267550.2); c.15768T>A (NM_133379.4); short protein forms H5256Q.
Identifiers: ClinVar variation 229588 (VCV000229588.30), dbSNP rs138826545, ClinGen allele CA2003050.

ClinVar aggregate classification (germline): Conflicting classifications of pathogenicity. Review status: criteria provided, conflicting classifications (1 of 4 stars). 9 submissions from 9 submitters: Uncertain significance (4); Likely benign (3). 2 of the submissions do not count toward it. Last evaluated 2026-06-01.

Conditions:
TTN-related disorder. Also called: TTN-related condition; TTN-related disease; TTN-related disorders.
Tibial muscular dystrophy (TMD). Also called: Tibial muscular dystrophy, tardive; UDD MYOPATHY; Udd Distal Myopathy – Tibial Muscular Dystrophy. Identifiers: Orphanet 609, MedGen C1838244, MONDO:0010870, OMIM 600334.
Autosomal recessive limb-girdle muscular dystrophy type 2J (LGMDR10). Also called: Limb-girdle muscular dystrophy, type 2J; MUSCULAR DYSTROPHY, LIMB-GIRDLE, AUTOSOMAL RECESSIVE 10. Identifiers: Orphanet 140922, MedGen C1837342, MONDO:0012127, OMIM 608807.
Dilated cardiomyopathy 1G (CMD1G). Identifiers: Orphanet 154, MedGen C1858763, MONDO:0011400, OMIM 604145.
Myopathy, myofibrillar, 9, with early respiratory failure (MFM9). Also called: Hereditary myopathy with early respiratory failure; MYOPATHY, PROXIMAL, WITH EARLY RESPIRATORY MUSCLE INVOLVEMENT; Myopathy, distal, with early respiratory failure, autosomal dominant; EDSTROM MYOPATHY. Identifiers: Orphanet 178464, Orphanet 34521, MedGen C1863599, MONDO:0011362, OMIM 603689.
Hypertrophic cardiomyopathy 9. Also called: Familial hypertrophic cardiomyopathy 9. Identifiers: MedGen C1861065, MONDO:0013412, OMIM 613765.
Early-onset myopathy with fatal cardiomyopathy (CMYO5). Also called: CONGENITAL MYOPATHY 5 WITH CARDIOMYOPATHY; Salih Myopathy. Identifiers: Orphanet 289377, MedGen C2673677, MONDO:0012714, OMIM 611705. Disease mechanism: loss of function.

Allele frequency attached by ClinVar (database versions not stated): ExAC 0.00011; gnomAD 0.00011 and 0.00013; gnomAD exomes 0.00013; TOPMed 0.00016; ESP Exome Variant Server 0.00023.
gnomAD v4.1: 414 of 1,613,240 alleles (0.026%); highest among the groups gnomAD compares: Non-Finnish European, 0.033%; no homozygotes.

Submissions (9):

CeGaT Center for Human Genetics Tuebingen
Classification: Uncertain significance. Last evaluated: 2026-06-01. Review status: criteria provided, single submitter. Criteria: CeGaT Center For Human Genetics Tuebingen Variant Classification Criteria Version 2. Collection method: clinical testing. Allele origin: germline. Affected: yes. Observed: 2 variant alleles.
Comment: TTN: PM2:Supporting, BP4

Clinical Genomics Laboratory, Washington University in St. Louis
Classification: Uncertain significance for Dilated cardiomyopathy 1G. Last evaluated: 2026-03-07. Review status: criteria provided, single submitter. Criteria: ACMG Guidelines, 2015. Collection method: clinical testing. Allele origin: germline.
Comment: A TTN c.15768T>A (p.His5256Gln) variant was identified in a heterozygous state. This variant, to our knowledge, has not been reported in the medical literature, but has been reported in the ClinVar database as a variant of uncertain significance by three submitters and a likely benign/benign variant by three submitters (Variation ID: 229588). This variant occurs in the last exon of the Novex-3 transcript of TTN, a small isoform that extends from the Z-disc to the M-band region and is expressed in all striated muscles. The novex-3 isoform interacts with obscurin, a muscle protein, and may regulate calcium and myofibrillar signaling pathways, potentially influencing stress-initiated sarcomeric restructuring (Kellermayer D et al., PMID: 28510117). Computational predictors suggest that the variant does not impact TTN function. Due to limited information, and based on ACMG/AMP guidelines for variant interpretation (Richards S et al., PMID: 25741868), the clinical significance of this variant is uncertain at this time.

PreventionGenetics, part of Exact Sciences
Classification: Likely benign for TTN-related condition. Last evaluated: 2025-05-29. Review status: criteria provided, single submitter. Criteria: ACMG Guidelines, 2015. Collection method: clinical testing. Allele origin: germline.
Comment: This variant is classified as likely benign based on ACMG/AMP sequence variant interpretation guidelines (Richards et al. 2015 PMID: 25741868, with internal and published modifications).

Molecular Diagnostic Laboratory for Inherited Cardiovascular Disease, Montreal Heart Institute
Classification: Likely benign. Last evaluated: 2025-04-09. Review status: criteria provided, single submitter. Criteria: ACMG Guidelines, 2015. Collection method: clinical testing. Allele origin: germline. Affected: no.
Comment: BP1

Blueprint Genetics
Classification: Likely benign. Last evaluated: 2024-03-22. Review status: criteria provided, single submitter. Criteria: ACMG Guidelines, 2015. Collection method: clinical testing. Allele origin: germline.

Fulgent Genetics
Classification: Uncertain significance for Tibial muscular dystrophy; Myopathy, myofibrillar, 9, with early respiratory failure; Dilated cardiomyopathy 1G; Autosomal recessive limb-girdle muscular dystrophy type 2J; Early-onset myopathy with fatal cardiomyopathy; Hypertrophic cardiomyopathy 9. Last evaluated: 2021-11-03. Review status: criteria provided, single submitter. Criteria: ACMG Guidelines, 2015. Collection method: clinical testing. Allele origin: unknown.

Laboratory for Molecular Medicine, Mass General Brigham Personalized Medicine
Classification: Uncertain significance. Last evaluated: 2015-03-20. Review status: criteria provided, single submitter. Criteria: LMM Criteria. Collection method: clinical testing. Allele origin: germline. Observed: 3 variant alleles.
Comment: Computa tional prediction tools and conservation analysis are limited or unavailable for this variant. In summary, the clinical significance of the p.His5256Gln variant is uncertain.

Clinical Genetics, Academic Medical Center
Classification: Benign. Review status: no assertion criteria provided. Collection method: clinical testing. Allele origin: germline. Affected: yes. Study: VKGL Data-share Consensus. Not counted in ClinVar's aggregate classification.

Diagnostic Laboratory, Department of Genetics, University Medical Center Groningen
Classification: Likely benign. Review status: no assertion criteria provided. Collection method: clinical testing. Allele origin: germline. Affected: yes. Study: VKGL Data-share Consensus. Not counted in ClinVar's aggregate classification.